The following is an entry in ClinVar:

NM_207037.2(TCF12):c.590C>T (p.Pro197Leu)

Gene: TCF12 (transcription factor 12; plus strand). Cytogenetic location: 15q21.3.
Variant type: single nucleotide variant.
Coding change: c.590C>T on transcript NM_207037.2 (MANE Select); coding-DNA position 590, C replaced by T.
Protein change: p.Pro197Leu; replaces proline 197 with leucine.
Molecular consequence: missense variant. On other transcripts: 5 prime UTR variant (1).
Genome position (GRCh38, 1-based): chr15:57,231,162, C>T. VCF-style: chr15-57231162-C-T. GRCh37 (hg19) VCF-style: chr15-57523360-C-T.
Other names: c.80C>T, p.Pro27Leu (NM_001306219.3, NM_207040.2); c.22C>T, p.His8Tyr (NM_001306220.3); c.590C>T, p.Pro197Leu (NM_001322151.2, NM_001322152.2, NM_001322157.3 and 7 more transcripts); c.-68C>T (NM_001322154.2); c.416C>T, p.Pro139Leu (NM_001322156.2, NM_001322158.2); c.626C>T, p.Pro209Leu (NM_001322164.2); short protein forms H8Y, P139L, P197L, P209L, P27L.
Identifiers: ClinVar variation 4086481 (VCV004086481.1).

ClinVar aggregate classification (germline): Uncertain significance (1 of 4 stars; one submission).

gnomAD v4.1: 8 of 1,611,524 alleles (0.0005%); highest among the groups gnomAD compares: Non-Finnish European, 0.00059%; no homozygotes.

Submission:

GeneDx
Classification: Uncertain significance. Last evaluated: 2025-03-17. Review status: criteria provided, single submitter. Criteria: GeneDx Variant Classification Process June 2021. Collection method: clinical testing. Allele origin: germline. Affected: yes.
Comment: Identified in an individual with a neurodevelopmental disorder, but segregation and detailed clinical information was not provided (PMID: 33004838); Not observed at significant frequency in large population cohorts (gnomAD); In silico analysis supports that this missense variant has a deleterious effect on protein structure/function; This variant is associated with the following publications: (PMID: 33004838)